The following is an entry in ClinVar:

NM_000505.4(F12):c.111A>G (p.Thr37=)

Gene: F12 (coagulation factor XII; minus strand). Cytogenetic location: 5q35.3.
Variant type: single nucleotide variant.
Coding change: c.111A>G on transcript NM_000505.4 (MANE Select); coding-DNA position 111, A replaced by G.
Protein change: p.Thr37=; no amino-acid change (threonine 37 retained).
Molecular consequence: synonymous variant.
Genome position (GRCh38, 1-based): chr5:177,409,050, T>C on the plus strand (A>G on the coding strand, the complement: F12 is on the minus strand). VCF-style: chr5-177409050-T-C. GRCh37 (hg19) VCF-style: chr5-176836051-T-C.
Identifiers: ClinVar variation 2635489 (VCV002635489.1), dbSNP rs2481047955, ClinGen allele CA447729632.

ClinVar aggregate classification (germline): Uncertain significance (1 of 4 stars; one submission).

Conditions:
F12-related disorder. Also called: F12-related condition; F12-related disorders. Identifiers: MedGen CN239389.

Allele frequency attached by ClinVar (database versions not stated): gnomAD exomes 0.00001.
gnomAD v4.1: 20 of 1,551,436 alleles (0.0013%); highest among the groups gnomAD compares: Non-Finnish European, 0.0017%; no homozygotes.

Submission:

PreventionGenetics, part of Exact Sciences
Classification: Uncertain significance for F12-related condition. Last evaluated: 2022-10-31. Review status: criteria provided, single submitter. Criteria: ACMG Guidelines, 2015. Collection method: clinical testing. Allele origin: germline.
Comment: The F12 c.111A>G variant is not predicted to result in an amino acid change (p.=). To our knowledge, this variant has not been reported in the literature or in a large population database, indicating this variant is rare. At this time, the clinical significance of this variant is uncertain due to the absence of conclusive functional and genetic evidence.